The following is an entry in ClinVar:

NM_021072.4(HCN1):c.274_294dup (p.Gly92_Phe98dup)

Gene: HCN1 (hyperpolarization activated cyclic nucleotide gated potassium channel 1; minus strand). Cytogenetic location: 5p12.
Variant type: Duplication.
Coding change: c.274_294dup on transcript NM_021072.4 (MANE Select); coding-DNA positions 274 to 294, 21 bases duplicated (GGCTTCATGCAGAGGCAGTTC).
Protein change: p.Gly92_Phe98dup.
Molecular consequence: inframe insertion.
Genome position (GRCh38, 1-based): chr5:45,695,800-45,695,820, GAACTGCCTCTGCATGAAGCC duplicated on the plus strand (GGCTTCATGCAGAGGCAGTTC on the coding strand, the reverse complement: HCN1 is on the minus strand); duplicating any 21 consecutive bases within chr5:45,695,800-45,695,821 gives the same sequence; the c. name uses the placement nearest the transcript's 3' end. VCF-style (leftmost placement, unchanged base first): chr5-45695799-T-TGAACTGCCTCTGCATGAAGCC. GRCh37 (hg19) VCF-style: chr5-45695901-T-TGAACTGCCTCTGCATGAAGCC.
Identifiers: ClinVar variation 661484 (VCV000661484.14), dbSNP rs747066400, ClinGen allele CA3259474.

ClinVar aggregate classification (germline): Uncertain significance. Review status: criteria provided, multiple submitters, no conflicts (2 of 4 stars). 3 submissions from 3 submitters: Uncertain significance (3). Last evaluated 2026-07-01.

Conditions:
Early-infantile DEE. Also called: Early infantile epileptic encephalopathy with suppression bursts; Early infantile epileptic encephalopathy; Ohtahara syndrome. Identifiers: Orphanet 1934, MedGen C0393706, MONDO:0800491.

Submissions (3):

CeGaT Center for Human Genetics Tuebingen
Classification: Uncertain significance. Last evaluated: 2026-07-01. Review status: criteria provided, single submitter. Criteria: CeGaT Center For Human Genetics Tuebingen Variant Classification Criteria Version 2. Collection method: clinical testing. Allele origin: germline. Affected: yes. Observed: 1 variant allele.
Comment: HCN1: PM4

Labcorp Genetics (formerly Invitae), Labcorp
Classification: Uncertain significance for Early-infantile DEE. Last evaluated: 2024-12-03. Review status: criteria provided, single submitter. Criteria: Invitae Variant Classification Sherloc (09022015). Collection method: clinical testing. Allele origin: germline.
Comment: This variant, c.274_294dup, results in the insertion of 7 amino acid(s) of the HCN1 protein (p.Gly92_Phe98dup), but otherwise preserves the integrity of the reading frame. This variant is present in population databases (rs747066400, gnomAD 0.01%). This variant has not been reported in the literature in individuals affected with HCN1-related conditions. ClinVar contains an entry for this variant (Variation ID: 661484). Experimental studies and prediction algorithms are not available or were not evaluated, and the functional significance of this variant is currently unknown. In summary, the available evidence is currently insufficient to determine the role of this variant in disease. Therefore, it has been classified as a Variant of Uncertain Significance.

GeneDx
Classification: Uncertain significance. Last evaluated: 2022-02-23. Review status: criteria provided, single submitter. Criteria: GeneDx Variant Classification Process June 2021. Collection method: clinical testing. Allele origin: germline. Affected: yes.
Comment: In-frame insertion of 7 amino acids in a non-repeat region; Has not been previously published as pathogenic or benign to our knowledge